The following is an entry in ClinVar:

ClinVar aggregate classification (germline): Uncertain significance (1 of 4 stars; one submission).

Conditions:
PRPH2-related disorder. Also called: PRPH2-related disorders; PRPH2-related condition. Identifiers: MedGen CN239395.

Submission:

Labcorp Genetics (formerly Invitae), Labcorp
Classification: Uncertain significance for PRPH2-related disorder. Last evaluated: 2025-11-13. Review status: criteria provided, single submitter. Criteria: Invitae Variant Classification Sherloc (09022015). Collection method: clinical testing. Allele origin: germline.
Comment: This sequence change replaces isoleucine, which is neutral and non-polar, with asparagine, which is neutral and polar, at codon 180 of the PRPH2 protein (p.Ile180Asn). This variant is not present in population databases (gnomAD no frequency). This variant has not been reported in the literature in individuals affected with PRPH2-related conditions. Invitae Evidence Modeling of protein sequence and biophysical properties (such as structural, functional, and spatial information, amino acid conservation, physicochemical variation, residue mobility, and thermodynamic stability) indicates that this missense variant is expected to disrupt PRPH2 protein function with a positive predictive value of 95%. In summary, the available evidence is currently insufficient to determine the role of this variant in disease. Therefore, it has been classified as a Variant of Uncertain Significance.

NM_000322.5(PRPH2):c.539T>A (p.Ile180Asn)

Gene: PRPH2 (peripherin 2; minus strand). Cytogenetic location: 6p21.1.
Variant type: single nucleotide variant.
Coding change: c.539T>A on transcript NM_000322.5 (MANE Select); coding-DNA position 539, T replaced by A.
Protein change: p.Ile180Asn; replaces isoleucine 180 with asparagine.
Molecular consequence: missense variant.
Genome position (GRCh38, 1-based): chr6:42,721,796, A>T on the plus strand (T>A on the coding strand, the complement: PRPH2 is on the minus strand). VCF-style: chr6-42721796-A-T. GRCh37 (hg19) VCF-style: chr6-42689534-A-T.
Other names: short protein forms I180N.
Identifiers: ClinVar variation 4801346 (VCV004801346.1).
Genomic context (GRCh38, chr6:42,721,796, plus strand): 5'-GGACTGGAAGCCACTCACTCTTTGACTTCTTTGGAGGAAAAGTCCAGGTAGCGATTGCTG[A>T]TCCACTGAATCTCAAACCAGTCCCGAAAACCGTTGTTGCCGCAGCATTTGAACTCGATCT-3'
Protein context (NP_000313.2, residues 170-190): GFRDWFEIQW[Ile180Asn]SNRYLDFSSK